The following is an entry in ClinVar:

NM_000264.5(PTCH1):c.56G>T (p.Gly19Val)

Genes: PTCH1 (patched 1; minus strand), LOC130002133 (ATAC-STARR-seq lymphoblastoid silent region 20071; plus strand). Cytogenetic location: 9q22.32.
Variant type: single nucleotide variant.
Coding change: c.56G>T on transcript NM_000264.5 (MANE Select); coding-DNA position 56, G replaced by T.
Protein change: p.Gly19Val; replaces glycine 19 with valine.
Molecular consequence: missense variant. On other transcripts: non-coding transcript variant (1), intron variant (3).
Genome position (GRCh38, 1-based): chr9:95,508,306, C>A on the plus strand (G>T on the coding strand, the complement: PTCH1 is on the minus strand). VCF-style: chr9-95508306-C-A. GRCh37 (hg19) VCF-style: chr9-98270588-C-A.
Other names: c.56G>T, p.Gly19Val (NM_001354918.2); c.199-1707G>T (NM_001083603.3); c.4-1707G>T (NM_001083602.3, NM_001354919.2); short protein forms G19V.
Identifiers: ClinVar variation 135905 (VCV000135905.24), dbSNP rs587780708, ClinGen allele CA332592.

ClinVar aggregate classification (germline): Conflicting classifications of pathogenicity. Review status: criteria provided, conflicting classifications (1 of 4 stars). 4 submissions from 4 submitters: Uncertain significance (1); Benign (1); Likely benign (2). Last evaluated 2026-03-23.

Conditions:
Hereditary cancer-predisposing syndrome. Also called: Tumor predisposition; Hereditary neoplastic syndrome; Hereditary Cancer Syndrome; Neoplastic Syndromes, Hereditary. Identifiers: Orphanet 140162, MedGen C0027672, MeSH D009386, MONDO:0015356.
Gorlin syndrome. Also called: Basal cell nevus syndrome; Nevoid Basal Cell Carcinoma Syndrome. Identifiers: Orphanet 377, MedGen C0004779, MONDO:0007187.

Allele frequency attached by ClinVar (database versions not stated): TOPMed 0.00001; gnomAD 0.00003.
gnomAD v4.1: 30 of 1,407,284 alleles (0.0021%); highest among the groups gnomAD compares: Non-Finnish European, 0.0022%; no homozygotes.

Submissions (4):

Ambry Genetics
Classification: Benign for Hereditary cancer-predisposing syndrome. Last evaluated: 2026-03-23. Review status: criteria provided, single submitter. Criteria: Ambry Variant Classification Scheme 2023. Collection method: clinical testing. Allele origin: germline.

Labcorp Genetics (formerly Invitae), Labcorp
Classification: Likely benign for Gorlin syndrome. Last evaluated: 2026-01-05. Review status: criteria provided, single submitter. Criteria: Invitae Variant Classification Sherloc (09022015). Collection method: clinical testing. Allele origin: germline.

CeGaT Center for Human Genetics Tuebingen
Classification: Likely benign. Last evaluated: 2025-06-01. Review status: criteria provided, single submitter. Criteria: CeGaT Center For Human Genetics Tuebingen Variant Classification Criteria Version 2. Collection method: clinical testing. Allele origin: germline. Affected: yes. Observed: 1 variant allele.
Comment: PTCH1: PP3, BS1

GeneDx
Classification: Uncertain significance. Last evaluated: 2017-02-20. Review status: criteria provided, single submitter. Criteria: GeneDx Variant Classification (06012015). Collection method: clinical testing. Allele origin: germline. Affected: yes.
Comment: This variant is denoted PTCH1 c.56G>T at the cDNA level, p.Gly19Val (G19V) at the protein level, and results in the change of a Glycine to a Valine (GGC>GTC). This variant has not, to our knowledge, been published in the literature as pathogenic or benign. PTCH1 Gly19Val occurs at a position that has low coverage in the NHLBI Exome Sequencing Project, therefore we cannot assess frequency in the general population. Since Glycine and Valine share similar properties, this is considered a conservative amino acid substitution. PTCH1 Gly19Val occurs at a position that is not conserved and is located in cytoplasmic topological domain and in a glycine-rich region of compositional bias (UniProt). In silico analyses are inconsistent regarding the effect this variant may have on protein structure and function. Based on currently available evidence, it is unclear whether PTCH1 Gly19Val is a pathogenic or benign variant. We consider it to be a variant of uncertain significance.